The following is an entry in ClinVar:

ClinVar aggregate classification (germline): Conflicting classifications of pathogenicity. Review status: criteria provided, conflicting classifications (1 of 4 stars). 2 submissions from 2 submitters: Uncertain significance (1); Likely benign (1). Last evaluated 2026-08-27.

Conditions:
Hereditary cancer-predisposing syndrome. Also called: Neoplastic Syndromes, Hereditary; Hereditary Cancer Syndrome; Tumor predisposition; Hereditary neoplastic syndrome. Identifiers: Orphanet 140162, MedGen C0027672, MeSH D009386, MONDO:0015356.
Multiple endocrine neoplasia, type 2 (MEN2). Identifiers: Orphanet 653, MedGen C4048306, MONDO:0019003. Disease mechanism: gain of function.

gnomAD v4.1: 2 of 1,594,854 alleles (0.00013%); no homozygotes.

Submissions (2):

Ambry Genetics
Classification: Likely benign for Hereditary cancer-predisposing syndrome. Last evaluated: 2026-08-27. Review status: criteria provided, single submitter. Criteria: Ambry Variant Classification Scheme 2023. Collection method: clinical testing. Allele origin: germline.

Labcorp Genetics (formerly Invitae), Labcorp
Classification: Uncertain significance for Multiple endocrine neoplasia, type 2. Last evaluated: 2026-01-07. Review status: criteria provided, single submitter. Criteria: Invitae Variant Classification Sherloc (09022015). Collection method: clinical testing. Allele origin: germline.
Comment: This sequence change replaces alanine, which is neutral and non-polar, with serine, which is neutral and polar, at codon 228 of the RET protein (p.Ala228Ser). This variant is not present in population databases (gnomAD no frequency). This variant has not been reported in the literature in individuals affected with RET-related conditions. ClinVar contains an entry for this variant (Variation ID: 186971). An algorithm developed to predict the effect of missense changes on protein structure and function outputs the following: PolyPhen-2: "Benign". The serine amino acid residue is found in multiple mammalian species, which suggests that this missense change does not adversely affect protein function. In summary, the available evidence is currently insufficient to determine the role of this variant in disease. Therefore, it has been classified as a Variant of Uncertain Significance.

NM_020975.6(RET):c.682G>T (p.Ala228Ser)

Gene: RET (ret proto-oncogene; plus strand). Cytogenetic location: 10q11.21.
Variant type: single nucleotide variant.
Coding change: c.682G>T on transcript NM_020975.6 (MANE Select); coding-DNA position 682, G replaced by T.
Protein change: p.Ala228Ser; replaces alanine 228 with serine.
Molecular consequence: missense variant.
Genome position (GRCh38, 1-based): chr10:43,105,008, G>T. VCF-style: chr10-43105008-G-T. GRCh37 (hg19) VCF-style: chr10-43600456-G-T.
Other names: c.682G>T, p.Ala228Ser (NM_001406744.1, NM_001406759.1, NM_001406760.1 and 8 more transcripts); c.553G>T, p.Ala185Ser (NM_001406761.1, NM_001406762.1, NM_001406764.1 and 2 more transcripts); c.394G>T, p.Ala132Ser (NM_001406766.1, NM_001406767.1, NM_001406770.1); c.-81G>T (NM_001355216.2); short protein forms A228S, A185S, A132S.
Identifiers: ClinVar variation 186971 (VCV000186971.15), dbSNP rs760813493, ClinGen allele CA009312.